The following is an entry in ClinVar:

NM_001557.4(CXCR2):c.856T>G (p.Cys286Gly)

Gene: CXCR2 (C-X-C motif chemokine receptor 2; plus strand). Cytogenetic location: 2q35.
Variant type: single nucleotide variant.
Coding change: c.856T>G on transcript NM_001557.4 (MANE Select); coding-DNA position 856, T replaced by G.
Protein change: p.Cys286Gly; replaces cysteine 286 with glycine.
Molecular consequence: missense variant.
Genome position (GRCh38, 1-based): chr2:218,135,657, T>G. VCF-style: chr2-218135657-T-G. GRCh37 (hg19) VCF-style: chr2-219000380-T-G.
Other names: c.856T>G, p.Cys286Gly (NM_001168298.2); short protein forms C286G.
Identifiers: ClinVar variation 2040462 (VCV002040462.4), dbSNP rs2469116031, ClinGen allele CA350532102.

ClinVar aggregate classification (germline): Uncertain significance (1 of 4 stars; one submission).

Submission:

Labcorp Genetics (formerly Invitae), Labcorp
Classification: Uncertain significance. Last evaluated: 2021-12-12. Review status: criteria provided, single submitter. Criteria: Invitae Variant Classification Sherloc (09022015). Collection method: clinical testing. Allele origin: germline.
Comment: In summary, the available evidence is currently insufficient to determine the role of this variant in disease. Therefore, it has been classified as a Variant of Uncertain Significance. Algorithms developed to predict the effect of sequence changes on RNA splicing suggest that this variant may create or strengthen a splice site. Algorithms developed to predict the effect of missense changes on protein structure and function (SIFT, PolyPhen-2, Align-GVGD) all suggest that this variant is likely to be disruptive. This variant has not been reported in the literature in individuals affected with CXCR2-related conditions. This variant is not present in population databases (gnomAD no frequency). This sequence change replaces cysteine, which is neutral and slightly polar, with glycine, which is neutral and non-polar, at codon 286 of the CXCR2 protein (p.Cys286Gly).